The following is an entry in ClinVar:

ClinVar aggregate classification (germline): Likely benign. Review status: criteria provided, multiple submitters, no conflicts (2 of 4 stars). 2 submissions from 2 submitters: Likely benign (2). Last evaluated 2025-03-09.

Conditions:
Spastic paraplegia. Identifiers: MedGen C0037772, HP:0001258.

Allele frequency attached by ClinVar (database versions not stated): gnomAD exomes below 0.00001; ExAC 0.00001; TOPMed 0.00002; gnomAD 0.00003 and 0.00004; ESP Exome Variant Server 0.00008.
gnomAD v4.1: 7 of 1,613,932 alleles (0.00043%); highest among the groups gnomAD compares: African/African-American, 0.0027%; no homozygotes.

Submissions (2):

Labcorp Genetics (formerly Invitae), Labcorp
Classification: Likely benign for Spastic paraplegia. Last evaluated: 2025-03-09. Review status: criteria provided, single submitter. Criteria: Invitae Variant Classification Sherloc (09022015). Collection method: clinical testing. Allele origin: germline.

CeGaT Center for Human Genetics Tuebingen
Classification: Likely benign. Last evaluated: 2024-05-01. Review status: criteria provided, single submitter. Criteria: CeGaT Center For Human Genetics Tuebingen Variant Classification Criteria Version 2. Collection method: clinical testing. Allele origin: germline. Affected: yes. Observed: 1 variant allele.
Comment: SACS: BP4, BP7

NM_014363.6(SACS):c.3825T>C (p.Phe1275=)

Gene: SACS (sacsin molecular chaperone; minus strand). Cytogenetic location: 13q12.12.
Variant type: single nucleotide variant.
Coding change: c.3825T>C on transcript NM_014363.6 (MANE Select); coding-DNA position 3825, T replaced by C.
Protein change: p.Phe1275=; no amino-acid change (phenylalanine 1275 retained).
Molecular consequence: synonymous variant.
Genome position (GRCh38, 1-based): chr13:23,340,051, A>G on the plus strand (T>C on the coding strand, the complement: SACS is on the minus strand). VCF-style: chr13-23340051-A-G. GRCh37 (hg19) VCF-style: chr13-23914190-A-G.
Other names: c.3384T>C, p.Phe1128= (NM_001278055.2).
Identifiers: ClinVar variation 1080540 (VCV001080540.28), dbSNP rs371761945, ClinGen allele CA6911469.